The following is an entry in ClinVar:

NM_001903.5(CTNNA1):c.1546+4A>T

Gene: CTNNA1 (catenin alpha 1; plus strand). Cytogenetic location: 5q31.2.
Variant type: single nucleotide variant.
Coding change: c.1546+4A>T on transcript NM_001903.5 (MANE Select); 4 bases into the intron after coding-DNA position 1546, A replaced by T.
Molecular consequence: intron variant.
Genome position (GRCh38, 1-based): chr5:138,917,902, A>T. VCF-style: chr5-138917902-A-T. GRCh37 (hg19) VCF-style: chr5-138253591-A-T.
Other names: c.1546+4A>T (NM_001323982.2, NM_001323984.2, NM_001290307.3 and 2 more transcripts); c.1453+4A>T (NM_001323986.2); c.1177+4A>T (NM_001290310.3); c.1237+4A>T (NM_001290309.3); c.436+4A>T (NM_001323996.1, NM_001323993.1, NM_001324005.1 and 17 more transcripts); c.97+4A>T (NM_001324007.1, NM_001324009.1, NM_001324006.1 and 2 more transcripts); c.193+4A>T (NM_001324013.1, NM_001324012.1); c.343+4A>T (NM_001324011.1).
Identifiers: ClinVar variation 2012060 (VCV002012060.4), dbSNP rs1580800562, ClinGen allele CA2580072885.

ClinVar aggregate classification (germline): Uncertain significance (1 of 4 stars; one submission).

Submission:

Labcorp Genetics (formerly Invitae), Labcorp
Classification: Uncertain significance. Last evaluated: 2022-06-29. Review status: criteria provided, single submitter. Criteria: Invitae Variant Classification Sherloc (09022015). Collection method: clinical testing. Allele origin: germline.
Comment: In summary, the available evidence is currently insufficient to determine the role of this variant in disease. Therefore, it has been classified as a Variant of Uncertain Significance. Variants that disrupt the consensus splice site are a relatively common cause of aberrant splicing (PMID: 17576681, 9536098). Algorithms developed to predict the effect of sequence changes on RNA splicing suggest that this variant may create or strengthen a splice site. This variant has not been reported in the literature in individuals affected with CTNNA1-related conditions. This variant is not present in population databases (gnomAD no frequency). This sequence change falls in intron 11 of the CTNNA1 gene. It does not directly change the encoded amino acid sequence of the CTNNA1 protein. It affects a nucleotide within the consensus splice site.

Literature cited by the submitters: PubMed 17576681; PubMed 9536098.